The following is an entry in ClinVar:

ClinVar aggregate classification (germline): Uncertain significance (1 of 4 stars; one submission).

Submission:

Labcorp Genetics (formerly Invitae), Labcorp
Classification: Uncertain significance. Last evaluated: 2025-02-01. Review status: criteria provided, single submitter. Criteria: Invitae Variant Classification Sherloc (09022015). Collection method: clinical testing. Allele origin: germline.
Comment: This sequence change replaces alanine, which is neutral and non-polar, with valine, which is neutral and non-polar, at codon 1481 of the LRP5 protein (p.Ala1481Val). This variant is not present in population databases (gnomAD no frequency). This variant has not been reported in the literature in individuals affected with LRP5-related conditions. Invitae Evidence Modeling of protein sequence and biophysical properties (such as structural, functional, and spatial information, amino acid conservation, physicochemical variation, residue mobility, and thermodynamic stability) indicates that this missense variant is not expected to disrupt LRP5 protein function with a negative predictive value of 95%. In summary, the available evidence is currently insufficient to determine the role of this variant in disease. Therefore, it has been classified as a Variant of Uncertain Significance.

NM_002335.4(LRP5):c.4442C>T (p.Ala1481Val)

Gene: LRP5 (LDL receptor related protein 5; plus strand). Cytogenetic location: 11q13.2.
Variant type: single nucleotide variant.
Coding change: c.4442C>T on transcript NM_002335.4 (MANE Select); coding-DNA position 4442, C replaced by T.
Protein change: p.Ala1481Val; replaces alanine 1481 with valine.
Molecular consequence: missense variant.
Genome position (GRCh38, 1-based): chr11:68,439,870, C>T. VCF-style: chr11-68439870-C-T. GRCh37 (hg19) VCF-style: chr11-68207338-C-T.
Other names: c.2699C>T, p.Ala900Val (NM_001291902.2); short protein forms A900V, A1481V.
Identifiers: ClinVar variation 3673421 (VCV003673421.2).